The following is an entry in ClinVar:

ClinVar aggregate classification (germline): Uncertain significance (1 of 4 stars; one submission).

Submission:

GeneDx
Classification: Uncertain significance. Last evaluated: 2022-01-21. Review status: criteria provided, single submitter. Criteria: GeneDx Variant Classification Process June 2021. Collection method: clinical testing. Allele origin: germline. Affected: yes.
Comment: Not observed at significant frequency in large population cohorts (gnomAD); In silico analysis supports that this missense variant has a deleterious effect on protein structure/function; Has not been previously published as pathogenic or benign to our knowledge

NM_001458.5(FLNC):c.617G>C (p.Trp206Ser)

Gene: FLNC (filamin C; plus strand). Cytogenetic location: 7q32.1.
Variant type: single nucleotide variant.
Coding change: c.617G>C on transcript NM_001458.5 (MANE Select); coding-DNA position 617, G replaced by C.
Protein change: p.Trp206Ser; replaces tryptophan 206 with serine.
Molecular consequence: missense variant.
Genome position (GRCh38, 1-based): chr7:128,837,175, G>C. VCF-style: chr7-128837175-G-C. GRCh37 (hg19) VCF-style: chr7-128477229-G-C.
Other names: c.617G>C, p.Trp206Ser (NM_001127487.2); short protein forms W206S.
Identifiers: ClinVar variation 1698199 (VCV001698199.2), dbSNP rs2128934060, ClinGen allele CA369220925.